The following is an entry in ClinVar:

ClinVar aggregate classification (germline): Pathogenic (1 of 4 stars; one submission).

Conditions:
Congenital factor V deficiency. Also called: Hereditary factor V deficiency disease; LABILE FACTOR DEFICIENCY; OWREN PARAHEMOPHILIA; PARAHEMOPHILIA. Identifiers: Orphanet 326, MedGen C0015499, MONDO:0009210, OMIM 227400.

Submission:

Labcorp Genetics (formerly Invitae), Labcorp
Classification: Pathogenic for Congenital factor V deficiency. Last evaluated: 2023-12-09. Review status: criteria provided, single submitter. Criteria: Invitae Variant Classification Sherloc (09022015). Collection method: clinical testing. Allele origin: germline.
Comment: This sequence change creates a premature translational stop signal (p.Thr1108Leufs*63) in the F5 gene. It is expected to result in an absent or disrupted protein product. Loss-of-function variants in F5 are known to be pathogenic (PMID: 30924984). This variant is not present in population databases (gnomAD no frequency). This variant has not been reported in the literature in individuals affected with F5-related conditions. For these reasons, this variant has been classified as Pathogenic.

Literature cited by the submitters: PubMed 30924984.

NM_000130.5(F5):c.3322del (p.Thr1108fs)

Gene: F5 (coagulation factor V; minus strand). Cytogenetic location: 1q24.2.
Variant type: Deletion.
Coding change: c.3322del on transcript NM_000130.5 (MANE Select); coding-DNA position 3322, one base deleted (A; older notation c.3322delA).
Protein change: p.Thr1108fs; shifts the reading frame from threonine 1108.
Molecular consequence: frameshift variant.
Genome position (GRCh38, 1-based): chr1:169,541,768, T deleted on the plus strand (A on the coding strand, the reverse complement: F5 is on the minus strand). VCF-style (leftmost placement, unchanged base first): chr1-169541767-GT-G. GRCh37 (hg19) VCF-style: chr1-169511005-GT-G.
Other names: short protein forms T1108fs.
Identifiers: ClinVar variation 2701935 (VCV002701935.3), dbSNP rs2526392825, ClinGen allele CA2697554642.
Genomic context (GRCh38, chr1:169,541,767, plus strand): 5'-TGATAGTGTTCCTCTGGGGGCACTGTCTGATAAAGACCTGGAGGACAGCTTGCCTGACCA[GT>G]GTCATTTGAGGAATTCTGATTATGGTCAGGAAGTGAGGCTATCCAGCCAAAATCCATAGA-3'